The following is an entry in ClinVar:

NM_000213.5(ITGB4):c.5122G>A (p.Glu1708Lys)

Genes: GALK1 (galactokinase 1; minus strand), ITGB4 (integrin subunit beta 4; plus strand). Cytogenetic location: 17q25.1.
Variant type: single nucleotide variant.
Coding change: c.5122G>A on transcript NM_000213.5 (MANE Select); coding-DNA position 5122, G replaced by A.
Protein change: p.Glu1708Lys; replaces glutamic acid 1708 with lysine.
Molecular consequence: missense variant. On other transcripts: intron variant (1).
Genome position (GRCh38, 1-based): chr17:75,757,011, G>A. VCF-style: chr17-75757011-G-A. GRCh37 (hg19) VCF-style: chr17-73753092-G-A.
Other names: c.5071G>A, p.Glu1691Lys (NM_001005619.2); c.4912G>A, p.Glu1638Lys (NM_001005731.3, NM_001321123.2); c.4762G>A, p.Glu1588Lys (NM_001438834.1); c.*22+1023C>T (NM_001381985.1); short protein forms E1638K, E1691K, E1708K, E1588K.
Identifiers: ClinVar variation 1519003 (VCV001519003.4), dbSNP rs144654848, ClinGen allele CA8770472.
Genomic context (GRCh38, chr17:75,757,011, plus strand): 5'-ACCGCATTCCGGGTGGATGGAGACAGCCCCGAGAGCCGGCTGACCGTGCCGGGCCTCAGC[G>A]AGAACGTGCCCTACAAGTTCAAGGTGCAGGCCAGGACCACTGAGGGCTTCGGGCCAGAGC-3'
Protein context (NP_000204.3, residues 1698-1718): ESRLTVPGLS[Glu1708Lys]NVPYKFKVQA

ClinVar aggregate classification (germline): Uncertain significance (1 of 4 stars; one submission).

Allele frequency attached by ClinVar (database versions not stated): gnomAD 0.00002 and 0.00004; ExAC 0.00006; gnomAD exomes 0.00004 and 0.00006; TOPMed 0.00001; ESP Exome Variant Server 0.00008.
gnomAD v4.1: 56 of 1,612,208 alleles (0.0035%); highest among the groups gnomAD compares: East Asian, 0.033%; no homozygotes.

Submission:

Labcorp Genetics (formerly Invitae), Labcorp
Classification: Uncertain significance. Last evaluated: 2022-03-02. Review status: criteria provided, single submitter. Criteria: Invitae Variant Classification Sherloc (09022015). Collection method: clinical testing. Allele origin: germline.
Comment: This sequence change replaces glutamic acid, which is acidic and polar, with lysine, which is basic and polar, at codon 1638 of the ITGB4 protein (p.Glu1638Lys). This variant is present in population databases (rs144654848, gnomAD 0.02%). This variant has not been reported in the literature in individuals affected with ITGB4-related conditions. Algorithms developed to predict the effect of missense changes on protein structure and function are either unavailable or do not agree on the potential impact of this missense change (SIFT: "Not Available"; PolyPhen-2: "Probably Damaging"; Align-GVGD: "Not Available"). In summary, the available evidence is currently insufficient to determine the role of this variant in disease. Therefore, it has been classified as a Variant of Uncertain Significance.